The following is an entry in ClinVar:

ClinVar aggregate classification (germline): Uncertain significance (1 of 4 stars; one submission).

Conditions:
Hereditary cancer-predisposing syndrome. Also called: Tumor predisposition; Hereditary neoplastic syndrome; Neoplastic Syndromes, Hereditary; Hereditary Cancer Syndrome. Identifiers: Orphanet 140162, MedGen C0027672, MeSH D009386, MONDO:0015356.

gnomAD v4.1: 3 of 1,614,080 alleles (0.00019%); highest among the groups gnomAD compares: Non-Finnish European, 0.00025%; no homozygotes.

Submission:

Ambry Genetics
Classification: Uncertain significance for Hereditary cancer-predisposing syndrome. Last evaluated: 2025-05-23. Review status: criteria provided, single submitter. Criteria: Ambry Variant Classification Scheme 2023. Collection method: clinical testing. Allele origin: germline.
Comment: The p.L658P variant (also known as c.1973T>C), located in coding exon 17 of the EGFR gene, results from a T to C substitution at nucleotide position 1973. The leucine at codon 658 is replaced by proline, an amino acid with similar properties. This amino acid position is conserved. In addition, the in silico prediction for this alteration is inconclusive. Based on the available evidence, the clinical significance of this variant remains unclear.

NM_005228.5(EGFR):c.1973T>C (p.Leu658Pro)

Gene: EGFR (epidermal growth factor receptor; plus strand). Cytogenetic location: 7p11.2.
Variant type: single nucleotide variant.
Coding change: c.1973T>C on transcript NM_005228.5 (MANE Select); coding-DNA position 1973, T replaced by C.
Protein change: p.Leu658Pro; replaces leucine 658 with proline.
Molecular consequence: missense variant.
Genome position (GRCh38, 1-based): chr7:55,173,036, T>C. VCF-style: chr7-55173036-T-C. GRCh37 (hg19) VCF-style: chr7-55240729-T-C.
Other names: c.1838T>C, p.Leu613Pro (NM_001346897.2, NM_001346899.2); c.1973T>C, p.Leu658Pro (NM_001346898.2); c.1814T>C, p.Leu605Pro (NM_001346900.2); c.1172T>C, p.Leu391Pro (NM_001346941.2); short protein forms L605P, L658P, L391P, L613P.
Identifiers: ClinVar variation 4016788 (VCV004016788.1).